The following is an entry in ClinVar:

ClinVar aggregate classification (germline): Uncertain significance. Review status: criteria provided, multiple submitters, no conflicts (2 of 4 stars). 3 submissions from 3 submitters: Uncertain significance (2). 1 of the submissions does not count toward it. Last evaluated 2023-06-20.

Conditions:
Primary ciliary dyskinesia. Also called: Ciliary dyskinesia. Identifiers: Orphanet 244, MedGen C0008780, MONDO:0016575, HP:0012265.

Allele frequency attached by ClinVar (database versions not stated): ExAC 0.00001; TOPMed 0.00001; gnomAD 0.00002; gnomAD exomes 0.00002.
gnomAD v4.1: 30 of 1,613,654 alleles (0.0019%); highest among the groups gnomAD compares: African/African-American, 0.004%; no homozygotes.

Submissions (3):

Blueprint Genetics
Classification: Uncertain significance. Last evaluated: 2023-06-20. Review status: criteria provided, single submitter. Criteria: ACMG Guidelines, 2015. Collection method: clinical testing. Allele origin: germline.

Labcorp Genetics (formerly Invitae), Labcorp
Classification: Uncertain significance for Primary ciliary dyskinesia. Last evaluated: 2021-09-01. Review status: criteria provided, single submitter. Criteria: Invitae Variant Classification Sherloc (09022015). Collection method: clinical testing. Allele origin: germline.
Comment: This sequence change replaces threonine with methionine at codon 2966 of the DNAH5 protein (p.Thr2966Met). The threonine residue is highly conserved and there is a moderate physicochemical difference between threonine and methionine. This variant is present in population databases (rs202021335, ExAC 0.01%). This missense change has been observed in individual(s) with DNAH5-related conditions (PMID: 31765523). ClinVar contains an entry for this variant (Variation ID: 944726). Algorithms developed to predict the effect of missense changes on protein structure and function are either unavailable or do not agree on the potential impact of this missense change (SIFT: "Deleterious"; PolyPhen-2: "Probably Damaging"; Align-GVGD: "Class C0"). In summary, the available evidence is currently insufficient to determine the role of this variant in disease. Therefore, it has been classified as a Variant of Uncertain Significance.

Natera, Inc.
Classification: Uncertain significance for Primary ciliary dyskinesia. Last evaluated: 2020-06-03. Review status: no assertion criteria provided. Collection method: clinical testing. Allele origin: germline. Not counted in ClinVar's aggregate classification.

Literature cited by the submitters: PubMed 31765523 (cited by Labcorp Genetics (formerly Invitae), Labcorp).

NM_001369.3(DNAH5):c.8897C>T (p.Thr2966Met)

Gene: DNAH5 (dynein axonemal heavy chain 5; minus strand). Cytogenetic location: 5p15.2.
Variant type: single nucleotide variant.
Coding change: c.8897C>T on transcript NM_001369.3 (MANE Select); coding-DNA position 8897, C replaced by T.
Protein change: p.Thr2966Met; replaces threonine 2966 with methionine.
Molecular consequence: missense variant.
Genome position (GRCh38, 1-based): chr5:13,780,883, G>A on the plus strand (C>T on the coding strand, the complement: DNAH5 is on the minus strand). VCF-style: chr5-13780883-G-A. GRCh37 (hg19) VCF-style: chr5-13780992-G-A.
Other names: short protein forms T2966M.
Identifiers: ClinVar variation 944726 (VCV000944726.12), dbSNP rs202021335, ClinGen allele CA3202679.